The following is an entry in ClinVar:

NM_001365088.1(SLC12A6):c.772C>T (p.Arg258Trp)

Gene: SLC12A6 (solute carrier family 12 member 6; minus strand). Cytogenetic location: 15q14.
Variant type: single nucleotide variant.
Coding change: c.772C>T on transcript NM_001365088.1 (MANE Select); coding-DNA position 772, C replaced by T.
Protein change: p.Arg258Trp; replaces arginine 258 with tryptophan.
Molecular consequence: missense variant.
Genome position (GRCh38, 1-based): chr15:34,255,366, G>A on the plus strand (C>T on the coding strand, the complement: SLC12A6 is on the minus strand). VCF-style: chr15-34255366-G-A. GRCh37 (hg19) VCF-style: chr15-34547567-G-A.
Other names: c.595C>T, p.Arg199Trp (NM_001042494.2, NM_001042495.2); c.745C>T, p.Arg249Trp (NM_001042496.2); c.727C>T, p.Arg243Trp (NM_001042497.2); c.619C>T, p.Arg207Trp (NM_005135.2); c.772C>T, p.Arg258Trp (NM_133647.2); short protein forms R199W, R207W, R243W, R249W, R258W.
Identifiers: ClinVar variation 3717992 (VCV003717992.2).
Genomic context (GRCh38, chr15:34,255,366, plus strand): 5'-ATGTGGTACCAAGATAAAAGCAGAGGCCAACAGCCCCACCAAACTCTGGGCCCAGTGCCC[G>A]GGAAATCATAAAGTATGAGCCCCCAGCTAAAAGACAAAACAGAAGGTGAATAGAAGAAAG-3'
Protein context (NP_001352017.1, residues 248-268): PAGGSYFMIS[Arg258Trp]ALGPEFGGAV

ClinVar aggregate classification (germline): Uncertain significance (1 of 4 stars; one submission).

Submission:

Labcorp Genetics (formerly Invitae), Labcorp
Classification: Uncertain significance. Last evaluated: 2025-03-26. Review status: criteria provided, single submitter. Criteria: Invitae Variant Classification Sherloc (09022015). Collection method: clinical testing. Allele origin: germline.
Comment: This sequence change replaces arginine, which is basic and polar, with tryptophan, which is neutral and slightly polar, at codon 258 of the SLC12A6 protein (p.Arg258Trp). This variant is present in population databases (no rsID available, gnomAD 0.0009%). This variant has not been reported in the literature in individuals affected with SLC12A6-related conditions. Invitae Evidence Modeling of protein sequence and biophysical properties (such as structural, functional, and spatial information, amino acid conservation, physicochemical variation, residue mobility, and thermodynamic stability) indicates that this missense variant is expected to disrupt SLC12A6 protein function with a positive predictive value of 80%. In summary, the available evidence is currently insufficient to determine the role of this variant in disease. Therefore, it has been classified as a Variant of Uncertain Significance.